The following is an entry in ClinVar:

ClinVar aggregate classification (germline): Uncertain significance. Review status: criteria provided, multiple submitters, no conflicts (2 of 4 stars). 2 submissions from 2 submitters: Uncertain significance (2). Last evaluated 2024-11-26.

Conditions:
Inborn genetic diseases. Identifiers: MedGen C0950123, MeSH D030342.

Allele frequency attached by ClinVar (database versions not stated): gnomAD 0.00001.
gnomAD v4.1: 20 of 1,610,616 alleles (0.0012%); highest among the groups gnomAD compares: East Asian, 0.013%; no homozygotes.

Submissions (2):

Ambry Genetics
Classification: Uncertain significance for Inborn genetic diseases. Last evaluated: 2024-11-26. Review status: criteria provided, single submitter. Criteria: Ambry Variant Classification Scheme 2023. Collection method: clinical testing. Allele origin: germline.

Labcorp Genetics (formerly Invitae), Labcorp
Classification: Uncertain significance. Last evaluated: 2023-05-23. Review status: criteria provided, single submitter. Criteria: Invitae Variant Classification Sherloc (09022015). Collection method: clinical testing. Allele origin: germline.
Comment: The frequency data for this variant in the population databases is considered unreliable, as metrics indicate poor data quality at this position in the gnomAD database. This sequence change replaces alanine, which is neutral and non-polar, with glutamic acid, which is acidic and polar, at codon 124 of the HOXD13 protein (p.Ala124Glu). This variant has not been reported in the literature in individuals affected with HOXD13-related conditions. In summary, the available evidence is currently insufficient to determine the role of this variant in disease. Therefore, it has been classified as a Variant of Uncertain Significance. Advanced modeling of protein sequence and biophysical properties (such as structural, functional, and spatial information, amino acid conservation, physicochemical variation, residue mobility, and thermodynamic stability) performed at Invitae indicates that this missense variant is not expected to disrupt HOXD13 protein function.

NM_000523.4(HOXD13):c.371C>A (p.Ala124Glu)

Gene: HOXD13 (homeobox D13; plus strand). Cytogenetic location: 2q31.1.
Variant type: single nucleotide variant.
Coding change: c.371C>A on transcript NM_000523.4 (MANE Select); coding-DNA position 371, C replaced by A.
Protein change: p.Ala124Glu; replaces alanine 124 with glutamic acid.
Molecular consequence: missense variant.
Genome position (GRCh38, 1-based): chr2:176,093,261, C>A. VCF-style: chr2-176093261-C-A. GRCh37 (hg19) VCF-style: chr2-176957989-C-A.
Other names: c.371C>A (NM_000523.3); short protein forms A124E.
Identifiers: ClinVar variation 3017657 (VCV003017657.4), dbSNP rs750412684, ClinGen allele CA1976590.